The following is an entry in ClinVar:

NM_001942.4(DSG1):c.2139A>G (p.Pro713=)

Genes: DSG1 (desmoglein 1; plus strand), DSG1-AS1 (DSG1 antisense RNA 1; minus strand), LOC126862720 (MED14-independent group 3 enhancer GRCh37_chr18:28933613-28934812; plus strand). Cytogenetic location: 18q12.1.
Variant type: single nucleotide variant.
Coding change: c.2139A>G on transcript NM_001942.4 (MANE Select); coding-DNA position 2139, A replaced by G.
Protein change: p.Pro713=; no amino-acid change (proline 713 retained).
Molecular consequence: synonymous variant. On other transcripts: non-coding transcript variant (1).
Genome position (GRCh38, 1-based): chr18:31,354,335, A>G. VCF-style: chr18-31354335-A-G. GRCh37 (hg19) VCF-style: chr18-28934298-A-G.
Identifiers: ClinVar variation 777287 (VCV000777287.14), dbSNP rs61730308, ClinGen allele CA8926292.

ClinVar aggregate classification (germline): Benign. Review status: criteria provided, multiple submitters, no conflicts (2 of 4 stars). 4 submissions from 4 submitters: Benign (3). 1 of the submissions does not count toward it. Last evaluated 2026-02-02.

Conditions:
DSG1-related disorder. Also called: DSG1-related condition.

Allele frequency attached by ClinVar (database versions not stated): gnomAD exomes 0.00165 and 0.00435; ExAC 0.00538; gnomAD 0.01757 and 0.01880; ESP Exome Variant Server 0.01761; TOPMed 0.01976; 1000 Genomes Project 0.02177; 1000 Genomes Project 30x 0.02249.
gnomAD v4.1: 5,162 of 1,614,234 alleles (0.32%); highest among the groups gnomAD compares: African/African-American, 6.1%; 150 homozygotes.

Submissions (4):

Labcorp Genetics (formerly Invitae), Labcorp
Classification: Benign. Last evaluated: 2026-02-02. Review status: criteria provided, single submitter. Criteria: Invitae Variant Classification Sherloc (09022015). Collection method: clinical testing. Allele origin: germline.

GeneDx
Classification: Benign. Last evaluated: 2021-05-04. Review status: criteria provided, single submitter. Criteria: GeneDx Variant Classification Process June 2021. Collection method: clinical testing. Allele origin: germline. Affected: yes.

Breakthrough Genomics
Classification: Benign. Review status: criteria provided, single submitter. Criteria: ACMG Guidelines, 2015. Collection method: not provided. Allele origin: germline. Inheritance: Autosomal recessive inheritance. Affected: yes.

PreventionGenetics, part of Exact Sciences
Classification: Benign for DSG1-related condition. Last evaluated: 2019-07-16. Review status: no assertion criteria provided. Collection method: clinical testing. Allele origin: germline. Not counted in ClinVar's aggregate classification.
Comment: This variant is classified as benign based on ACMG/AMP sequence variant interpretation guidelines (Richards et al. 2015 PMID: 25741868, with internal and published modifications).